The following is an entry in ClinVar:

NM_020207.7(ERCC6L2):c.3535A>G (p.Lys1179Glu)

Gene: ERCC6L2 (ERCC excision repair 6 like 2; plus strand). Cytogenetic location: 9q22.32.
Variant type: single nucleotide variant.
Coding change: c.3535A>G on transcript NM_020207.7 (MANE Select); coding-DNA position 3535, A replaced by G.
Protein change: p.Lys1179Glu; replaces lysine 1179 with glutamic acid.
Molecular consequence: missense variant. On other transcripts: non-coding transcript variant (1).
Genome position (GRCh38, 1-based): chr9:96,004,562, A>G. VCF-style: chr9-96004562-A-G. GRCh37 (hg19) VCF-style: chr9-98766844-A-G.
Other names: c.3535A>G, p.Lys1179Glu (NM_001375291.1, NM_001375292.1); short protein forms K1179E.
Identifiers: ClinVar variation 2744763 (VCV002744763.3), dbSNP rs1348078567, ClinGen allele CA466118190.
Genomic context (GRCh38, chr9:96,004,562, plus strand): 5'-TTCCTTTCTTTTTTTCAGACATATAAAGAAAAAGTGGATGCAGATACATTGCCACACACA[A>G]AGAAAGGCCAGCAACCGAGTGAAGGCAGCATTTCACTTCCTCTTTACATTTCAAATCCTG-3'
Protein context (NP_064592.3, residues 1169-1189): KVDADTLPHT[Lys1179Glu]KGQQPSEGSI

ClinVar aggregate classification (germline): Uncertain significance (1 of 4 stars; one submission).

Submission:

Labcorp Genetics (formerly Invitae), Labcorp
Classification: Uncertain significance. Last evaluated: 2023-08-06. Review status: criteria provided, single submitter. Criteria: Invitae Variant Classification Sherloc (09022015). Collection method: clinical testing. Allele origin: germline.
Comment: This variant has not been reported in the literature in individuals affected with ERCC6L2-related conditions. This sequence change replaces lysine, which is basic and polar, with glutamic acid, which is acidic and polar, at codon 1190 of the ERCC6L2 protein (p.Lys1190Glu). This variant is not present in population databases (gnomAD no frequency). Experimental studies and prediction algorithms are not available or were not evaluated, and the functional significance of this variant is currently unknown. In summary, the available evidence is currently insufficient to determine the role of this variant in disease. Therefore, it has been classified as a Variant of Uncertain Significance.